The following is an entry in ClinVar:

ClinVar aggregate classification (germline): Pathogenic (1 of 4 stars; one submission).

Submission:

Labcorp Genetics (formerly Invitae), Labcorp
Classification: Pathogenic. Last evaluated: 2021-08-12. Review status: criteria provided, single submitter. Criteria: Invitae Variant Classification Sherloc (09022015). Collection method: clinical testing. Allele origin: germline.
Comment: This variant is a gross deletion of the genomic region encompassing exon(s) 22-26 of the USH2A gene. This deletion is out-of-frame, and is expected to create a premature termination codon and result in an absent or disrupted protein product. Loss-of-function variants in USH2A are known to be pathogenic (PMID: 10729113, 10909849, 20507924, 25649381). This variant has not been reported in the literature in individuals affected with USH2A-related conditions. For these reasons, this variant has been classified as Pathogenic.

Literature cited by the submitters: PubMed 10729113; PubMed 10909849; PubMed 20507924; PubMed 25649381.

NC_000001.10:g.(?_216256788)_(216270565_?)del

Gene: USH2A (usherin; minus strand). Cytogenetic location: 1q41.
Variant type: Deletion.
Identifiers: ClinVar variation 1460448 (VCV001460448.5).